The following is an entry in ClinVar:

ClinVar aggregate classification (germline): Uncertain significance (1 of 4 stars; one submission).

Submission:

Ambry Genetics
Classification: Uncertain significance. Last evaluated: 2023-03-24. Review status: criteria provided, single submitter. Criteria: Ambry Variant Classification Scheme 2023. Collection method: clinical testing. Allele origin: germline.
Comment: The p.M782L variant (also known as c.2344A>T), located in coding exon 23 of the NEBL gene, results from an A to T substitution at nucleotide position 2344. The methionine at codon 782 is replaced by leucine, an amino acid with highly similar properties. This amino acid position is conserved. In addition, this alteration is predicted to be tolerated by in silico analysis. Since supporting evidence is limited at this time, the clinical significance of this alteration remains unclear.

NM_006393.3(NEBL):c.2344A>T (p.Met782Leu)

Gene: NEBL (nebulette; minus strand). Cytogenetic location: 10p12.31.
Variant type: single nucleotide variant.
Coding change: c.2344A>T on transcript NM_006393.3 (MANE Select); coding-DNA position 2344, A replaced by T.
Protein change: p.Met782Leu; replaces methionine 782 with leucine.
Molecular consequence: missense variant. On other transcripts: intron variant (9).
Genome position (GRCh38, 1-based): chr10:20,813,941, T>A on the plus strand (A>T on the coding strand, the complement: NEBL is on the minus strand). VCF-style: chr10-20813941-T-A. GRCh37 (hg19) VCF-style: chr10-21102870-T-A.
Other names: c.250-1001A>T (NM_001377326.1, NM_001377327.1, NM_001377328.1); c.358-1001A>T (NM_213569.2, NM_001173484.2, NM_001377322.1); c.301-1001A>T (NM_001377324.1); c.292-1001A>T (NM_001377325.1); c.310-1001A>T (NM_001377323.1); short protein forms M782L.
Identifiers: ClinVar variation 2563741 (VCV002563741.2), dbSNP rs200574474, ClinGen allele CA376093565.